The following is an entry in ClinVar:

NM_021625.5(TRPV4):c.2557_2586del (p.Cys853_Arg862del)

Gene: TRPV4 (transient receptor potential cation channel subfamily V member 4; minus strand). Cytogenetic location: 12q24.11.
Variant type: Deletion.
Coding change: c.2557_2586del on transcript NM_021625.5 (MANE Select); coding-DNA positions 2557 to 2586, 30 bases deleted (TGCGATGGCCACCAGCAGGGTTACCCCCGC).
Protein change: p.Cys853_Arg862del.
Molecular consequence: inframe indel (on NM_001177428.2).
Genome position (GRCh38, 1-based): chr12:109,783,651-109,783,680, GCGGGGGTAACCCTGCTGGTGGCCATCGCA deleted on the plus strand (TGCGATGGCCACCAGCAGGGTTACCCCCGC on the coding strand, the reverse complement: TRPV4 is on the minus strand); deleting any 30 consecutive bases within chr12:109,783,651-109,783,688 gives the same sequence; the c. name uses the placement nearest the transcript's 3' end. VCF-style (leftmost placement, unchanged base first): chr12-109783650-TGCGGGGGTAACCCTGCTGGTGGCCATCGCA-T. GRCh37 (hg19) VCF-style: chr12-110221455-TGCGGGGGTAACCCTGCTGGTGGCCATCGCA-T.
Other names: c.2408_2437del30, p.Cys806_Arg815del (NM_001177428.2); c.2447_2476del30, p.Cys819_Arg828del (NM_001177431.2); c.2228_2257del30, p.Cys746_Arg755del (NM_001177433.2); c.2369_2398del30, p.Cys793_Arg802del (NM_147204.3); c.2557_2586del30 (NM_021625.4).
Identifiers: ClinVar variation 504254 (VCV000504254.5), dbSNP rs1555204381, ClinGen allele CA658797952.

ClinVar aggregate classification (germline): Uncertain significance. Review status: criteria provided, multiple submitters, no conflicts (2 of 4 stars). 2 submissions from 2 submitters: Uncertain significance (2). Last evaluated 2023-11-19.

Conditions:
Charcot-Marie-Tooth disease axonal type 2C (HMSN2C). Also called: Charcot-Marie-Tooth Disease Type 2, TRPV4-Related (CMT2C); CHARCOT-MARIE-TOOTH DISEASE, AXONAL, AUTOSOMAL DOMINANT, TYPE 2C; Charcot-Marie-Tooth Neuropathy Type 2C. Identifiers: Orphanet 99937, MedGen C1853710, MONDO:0011633, OMIM 606071.

Submissions (2):

Labcorp Genetics (formerly Invitae), Labcorp
Classification: Uncertain significance for Charcot-Marie-Tooth disease axonal type 2C. Last evaluated: 2023-11-19. Review status: criteria provided, single submitter. Criteria: Invitae Variant Classification Sherloc (09022015). Collection method: clinical testing. Allele origin: germline.
Comment: This variant, c.2557_2586del, results in the deletion of 10 amino acid(s) of the TRPV4 protein (p.Cys853_Arg862del), but otherwise preserves the integrity of the reading frame. This variant is not present in population databases (gnomAD no frequency). This variant has not been reported in the literature in individuals affected with TRPV4-related conditions. ClinVar contains an entry for this variant (Variation ID: 504254). Experimental studies and prediction algorithms are not available or were not evaluated, and the functional significance of this variant is currently unknown. In summary, the available evidence is currently insufficient to determine the role of this variant in disease. Therefore, it has been classified as a Variant of Uncertain Significance.

GeneDx
Classification: Uncertain significance. Last evaluated: 2018-02-08. Review status: criteria provided, single submitter. Criteria: GeneDx Variant Classification (06012015). Collection method: clinical testing. Allele origin: germline. Affected: yes.
Comment: A variant of uncertain significance has been identified in the TRPV4 gene. The c.2557_2586del30 variant has not been published as a pathogenic variant, nor has it been reported as a benign variant to our knowledge. The c.2557_2586del30 variant is not observed in large population cohorts (Lek et al., 2016). The c.2557_2586del30 variant results in an in-frame deletion of 10 amino acids, denoted p.Cys853_Arg862del. In-frame deletions of the TRPV4 gene have not been previously reported in association with neuropathy to our knowledge (Stenson et al., 2014). Therefore, based on the currently available information, it is unclear whether this variant is a pathogenic variant or a rare benign variant.